The following is an entry in ClinVar:

ClinVar aggregate classification (germline): Pathogenic. Review status: criteria provided, multiple submitters, no conflicts (2 of 4 stars). 7 submissions from 7 submitters: Pathogenic (6). 1 of the submissions does not count toward it. Last evaluated 2025-03-28.

Conditions:
LAMB3-related disorder. Also called: LAMB3-related condition.
Amelogenesis imperfecta type 1A. Also called: Amelogenesis imperfecta, hypoplastic type; AMELOGENESIS IMPERFECTA, HYPOPLASTIC TYPE IA; Amelogenesis imperfecta, type IA; Amelogenesis imperfecta local hypoplastic. Identifiers: Orphanet 88661, MedGen C4011403, MONDO:0007094, OMIM 104530.
Junctional epidermolysis bullosa, non-Herlitz type. Also called: Epidermolysis bullosa, junctional, non-herlitz type, somatic mosaic revertant; EPIDERMOLYSIS BULLOSA JUNCTIONALIS, DISENTIS TYPE; EPIDERMOLYSIS BULLOSA JUNCTIONALIS, NON-HERLITZ TYPE; EPIDERMOLYSIS BULLOSA JUNCTIONALIS, PROGRESSIVE; EPIDERMOLYSIS BULLOSA JUNCTIONALIS, SEVERE NONLETHAL; COL17A1-Related Junctional Epidermolysis Bullosa. Identifiers: Orphanet 251393, Orphanet 79402, Orphanet 79405, Orphanet 89840, MedGen C0268374, MONDO:0009180, OMIM 226650.
Junctional epidermolysis bullosa gravis of Herlitz. Also called: EPIDERMOLYSIS BULLOSA JUNCTIONALIS, HERLITZ TYPE; EPIDERMOLYSIS BULLOSA, JUNCTIONAL, HERLITZ-PEARSON TYPE; JEB-HERLITZ TYPE; Epidermolysis Bullosa Letalis; EPIDERMOLYSIS BULLOSA, JUNCTIONAL 1B, SEVERE; Herlitz-type junctional epidermolysis bullosa. Identifiers: Orphanet 79404, MedGen C0079683, MONDO:0009182, OMIM 226700.

Allele frequency attached by ClinVar (database versions not stated): ExAC 0.00002; gnomAD 0.00006; ESP Exome Variant Server 0.00008; TOPMed 0.00008; 1000 Genomes Project 30x 0.00016; 1000 Genomes Project 0.00020.

Submissions (7):

PreventionGenetics, part of Exact Sciences
Classification: Pathogenic for LAMB3-related condition. Last evaluated: 2025-03-28. Review status: criteria provided, single submitter. Criteria: ACMG Guidelines, 2015. Collection method: clinical testing. Allele origin: germline.
Comment: The LAMB3 c.1978C>T variant is predicted to result in premature protein termination (p.Arg660*). This variant has been reported in the compound heterozygous and homozygous states to be causative for autosomal recessive junctional epidermolysis bullosa (Kivirikko et al. 1996. PubMed ID: 8824879; Varki et al. 2006. PubMed ID: 16473856; Yuen et al. 2011. PubMed ID: 21801158). This variant is reported in 0.016% of alleles in individuals of African descent in gnomAD. Nonsense variants in LAMB3 are expected to be pathogenic. This variant is interpreted as pathogenic.

3billion
Classification: Pathogenic for Junctional epidermolysis bullosa, non-Herlitz type. Last evaluated: 2025-02-04. Review status: criteria provided, single submitter. Criteria: ACMG Guidelines, 2015. Collection method: clinical testing. Allele origin: germline. Affected: yes.
Comment: The variant is observed at an extremely low frequency in the gnomAD v4.1.0 dataset (total allele frequency: 0.002%). Predicted Consequence/Location: Stop-gained (nonsense): predicted to result in a loss or disruption of normal protein function through nonsense-mediated decay (NMD) or protein truncation. Multiple pathogenic variants are reported downstream of the variant. The variant has been reported at least twice as pathogenic with clinical assertions and evidence for the classification (ClinVar ID: VCV000189034 /PMID: 9160387 /3billion dataset). Therefore, this variant is classified as Pathogenic according to the recommendation of ACMG/AMP guideline.

Fulgent Genetics
Classification: Pathogenic for Amelogenesis imperfecta type 1A; Junctional epidermolysis bullosa, non-Herlitz type; Junctional epidermolysis bullosa gravis of Herlitz. Last evaluated: 2024-04-30. Review status: criteria provided, single submitter. Criteria: ACMG Guidelines, 2015. Collection method: clinical testing. Allele origin: germline.

Labcorp Genetics (formerly Invitae), Labcorp
Classification: Pathogenic. Last evaluated: 2024-01-12. Review status: criteria provided, single submitter. Criteria: Invitae Variant Classification Sherloc (09022015). Collection method: clinical testing. Allele origin: germline.
Comment: This sequence change creates a premature translational stop signal (p.Arg660*) in the LAMB3 gene. It is expected to result in an absent or disrupted protein product. Loss-of-function variants in LAMB3 are known to be pathogenic (PMID: 11023379, 16473856). This variant is present in population databases (rs146794392, gnomAD 0.02%). This premature translational stop signal has been observed in individuals with autosomal recessive junctional epidermolysis bullosa (PMID: 9160387, 21801158). ClinVar contains an entry for this variant (Variation ID: 189034). For these reasons, this variant has been classified as Pathogenic.

GeneDx
Classification: Pathogenic. Last evaluated: 2022-08-12. Review status: criteria provided, single submitter. Criteria: GeneDx Variant Classification Process June 2021. Collection method: clinical testing. Allele origin: germline. Affected: yes.
Comment: Nonsense variant predicted to result in protein truncation or nonsense mediated decay in a gene for which loss of function is a known mechanism of disease; This variant is associated with the following publications: (PMID: 16473856, 12813757, 8824879, 21801158, 9160387)

Women's Health and Genetics/Laboratory Corporation of America, LabCorp
Classification: Pathogenic for Junctional epidermolysis bullosa gravis of Herlitz. Last evaluated: 2018-12-10. Review status: criteria provided, single submitter. Criteria: LabCorp Variant Classification Summary - May 2015. Collection method: clinical testing. Allele origin: germline.
Comment: Variant summary: LAMB3 c.1978C>T (p.Arg660X) results in a premature termination codon, predicted to cause a truncation of the encoded protein or absence of the protein due to nonsense mediated decay, which are commonly known mechanisms for disease. The variant allele was found at a frequency of 2.2e-05 in 275670 control chromosomes (gnomAD). c.1978C>T has been reported in the literature in multiple individuals affected with Junctional Epidermolysis Bullosa (Christiano_1997, Yuen_2011, Varki_2006). These data indicate that the variant is very likely to be associated with disease. To our knowledge, no experimental evidence demonstrating an impact on protein function has been reported. A ClinVar submission from a clinical diagnostic laboratory (evaluation after 2014) cites the variant as pathogenic. Based on the evidence outlined above, the variant was classified as pathogenic.

Counsyl
Classification: Pathogenic for Junctional epidermolysis bullosa gravis of Herlitz. Last evaluated: 2016-06-30. Review status: no assertion criteria provided. Collection method: clinical testing. Allele origin: unknown. Not counted in ClinVar's aggregate classification.

Literature cited by the submitters: PubMed 9160387 (cited by 4 submitters); PubMed 11023379 (cited by Labcorp Genetics (formerly Invitae), Labcorp); PubMed 16473856 (cited by 3 submitters); PubMed 21801158 (cited by Labcorp Genetics (formerly Invitae), Labcorp and Women's Health and Genetics/Laboratory Corporation of America, LabCorp); PubMed 8824879 (cited by Counsyl); PubMed 12813757 (cited by Counsyl).

NM_000228.3(LAMB3):c.1978C>T (p.Arg660Ter)

Gene: LAMB3 (laminin subunit beta 3; minus strand). Cytogenetic location: 1q32.2.
Variant type: single nucleotide variant.
Coding change: c.1978C>T on transcript NM_000228.3 (MANE Select); coding-DNA position 1978, C replaced by T.
Protein change: p.Arg660Ter; replaces arginine 660 with a stop codon.
Molecular consequence: nonsense.
Genome position (GRCh38, 1-based): chr1:209,623,999, G>A on the plus strand (C>T on the coding strand, the complement: LAMB3 is on the minus strand). VCF-style: chr1-209623999-G-A. GRCh37 (hg19) VCF-style: chr1-209797344-G-A.
Other names: c.1978C>T, p.Arg660Ter (NM_001017402.2, NM_001127641.1); short protein forms R660*.
Identifiers: ClinVar variation 189034 (VCV000189034.18), dbSNP rs146794392, ClinGen allele CA274294.